The following is an entry in ClinVar:

NM_005560.6(LAMA5):c.3252C>T (p.His1084=)

Gene: LAMA5 (laminin subunit alpha 5; minus strand). Cytogenetic location: 20q13.33.
Variant type: single nucleotide variant.
Coding change: c.3252C>T on transcript NM_005560.6 (MANE Select); coding-DNA position 3252, C replaced by T.
Protein change: p.His1084=; no amino-acid change (histidine 1084 retained).
Molecular consequence: synonymous variant.
Genome position (GRCh38, 1-based): chr20:62,333,120, G>A on the plus strand (C>T on the coding strand, the complement: LAMA5 is on the minus strand). VCF-style: chr20-62333120-G-A. GRCh37 (hg19) VCF-style: chr20-60908176-G-A.
Identifiers: ClinVar variation 738603 (VCV000738603.12), dbSNP rs201249114, ClinGen allele CA9943094.

ClinVar aggregate classification (germline): Benign/Likely benign. Review status: criteria provided, multiple submitters, no conflicts (2 of 4 stars). 3 submissions from 3 submitters: Benign (1); Likely benign (1). 1 of the submissions does not count toward it. Last evaluated 2025-07-20.

Conditions:
LAMA5-related disorder. Also called: LAMA5-related condition; LAMA5-Related Disorders.

Allele frequency attached by ClinVar (database versions not stated): gnomAD exomes 0.00041; ESP Exome Variant Server 0.00054; ExAC 0.00066; gnomAD 0.00088 and 0.00093; TOPMed 0.00093; 1000 Genomes Project 0.00140; 1000 Genomes Project 30x 0.00156.
gnomAD v4.1: 255 of 1,479,616 alleles (0.017%); highest among the groups gnomAD compares: African/African-American, 0.34%; 2 homozygotes.

Submissions (3):

Labcorp Genetics (formerly Invitae), Labcorp
Classification: Benign. Last evaluated: 2025-07-20. Review status: criteria provided, single submitter. Criteria: Invitae Variant Classification Sherloc (09022015). Collection method: clinical testing. Allele origin: germline.

Blueprint Genetics
Classification: Likely benign. Last evaluated: 2024-11-18. Review status: criteria provided, single submitter. Criteria: ACMG Guidelines, 2015. Collection method: clinical testing. Allele origin: germline.

PreventionGenetics, part of Exact Sciences
Classification: Likely benign for LAMA5-related condition. Last evaluated: 2022-12-19. Review status: no assertion criteria provided. Collection method: clinical testing. Allele origin: germline. Not counted in ClinVar's aggregate classification.
Comment: This variant is classified as likely benign based on ACMG/AMP sequence variant interpretation guidelines (Richards et al. 2015 PMID: 25741868, with internal and published modifications).